The following is an entry in ClinVar:

NM_016529.6(ATP8A2):c.739C>T (p.Leu247Phe)

Gene: ATP8A2 (ATPase phospholipid transporting 8A2). Cytogenetic location: 13q12.13.
Variant type: single nucleotide variant.
Coding change: c.739C>T on transcript NM_016529.6 (MANE Select); coding-DNA position 739, C replaced by T.
Protein change: p.Leu247Phe; replaces leucine 247 with phenylalanine.
Molecular consequence: missense variant.
Genome position (GRCh38, 1-based): chr13:25,542,006, C>T. VCF-style: chr13-25542006-C-T. GRCh37 (hg19) VCF-style: chr13-26116144-C-T.
Other names: c.619C>T, p.Leu207Phe (NM_001313741.1); c.739C>T, p.Leu247Phe (NM_001411005.1, NM_001411006.1); short protein forms L247F, L207F.
Identifiers: ClinVar variation 1993264 (VCV001993264.4), dbSNP rs2137995107, ClinGen allele CA387612086.

ClinVar aggregate classification (germline): Uncertain significance (1 of 4 stars; one submission).

Submission:

Labcorp Genetics (formerly Invitae), Labcorp
Classification: Uncertain significance. Last evaluated: 2024-02-24. Review status: criteria provided, single submitter. Criteria: Invitae Variant Classification Sherloc (09022015). Collection method: clinical testing. Allele origin: germline.
Comment: This sequence change replaces leucine, which is neutral and non-polar, with phenylalanine, which is neutral and non-polar, at codon 247 of the ATP8A2 protein (p.Leu247Phe). This variant is not present in population databases (gnomAD no frequency). This variant has not been reported in the literature in individuals affected with ATP8A2-related conditions. ClinVar contains an entry for this variant (Variation ID: 1993264). Advanced modeling of protein sequence and biophysical properties (such as structural, functional, and spatial information, amino acid conservation, physicochemical variation, residue mobility, and thermodynamic stability) has been performed at Invitae for this missense variant, however the output from this modeling did not meet the statistical confidence thresholds required to predict the impact of this variant on ATP8A2 protein function. In summary, the available evidence is currently insufficient to determine the role of this variant in disease. Therefore, it has been classified as a Variant of Uncertain Significance.